The following is an entry in ClinVar:

NM_001291303.3(FAT4):c.12381G>A (p.Val4127=)

Gene: FAT4 (FAT atypical cadherin 4; plus strand). Cytogenetic location: 4q28.1.
Variant type: single nucleotide variant.
Coding change: c.12381G>A on transcript NM_001291303.3 (MANE Select); coding-DNA position 12381, G replaced by A.
Protein change: p.Val4127=; no amino-acid change (valine 4127 retained).
Molecular consequence: synonymous variant.
Genome position (GRCh38, 1-based): chr4:125,477,236, G>A. VCF-style: chr4-125477236-G-A. GRCh37 (hg19) VCF-style: chr4-126398391-G-A.
Other names: c.12381G>A, p.Val4127= (NM_001291285.3); c.12375G>A, p.Val4125= (NM_024582.6).
Identifiers: ClinVar variation 384745 (VCV000384745.33), dbSNP rs377051363, ClinGen allele CA3074079.

ClinVar aggregate classification (germline): Likely benign. Review status: criteria provided, multiple submitters, no conflicts (2 of 4 stars). 4 submissions from 4 submitters: Likely benign (3). 1 of the submissions does not count toward it. Last evaluated 2025-12-18.

Conditions:
FAT4-related disorder. Also called: FAT4-related condition.

Allele frequency attached by ClinVar (database versions not stated): ExAC 0.00001; gnomAD exomes 0.00001 and 0.00005; TOPMed 0.00006; gnomAD 0.00007; ESP Exome Variant Server 0.00008.
gnomAD v4.1: 80 of 1,552,328 alleles (0.0052%); highest among the groups gnomAD compares: Non-Finnish European, 0.0068%; no homozygotes.

Submissions (4):

Labcorp Genetics (formerly Invitae), Labcorp
Classification: Likely benign. Last evaluated: 2025-12-18. Review status: criteria provided, single submitter. Criteria: Invitae Variant Classification Sherloc (09022015). Collection method: clinical testing. Allele origin: germline.

CeGaT Center for Human Genetics Tuebingen
Classification: Likely benign. Last evaluated: 2023-01-01. Review status: criteria provided, single submitter. Criteria: CeGaT Center For Human Genetics Tuebingen Variant Classification Criteria Version 2. Collection method: clinical testing. Allele origin: germline. Affected: yes. Observed: 1 variant allele.
Comment: FAT4: BP4, BP7

GeneDx
Classification: Likely benign. Last evaluated: 2016-03-24. Review status: criteria provided, single submitter. Criteria: GeneDx Variant Classification (06012015). Collection method: clinical testing. Allele origin: germline. Affected: yes.
Comment: This variant is considered likely benign or benign based on one or more of the following criteria: it is a conservative change, it occurs at a poorly conserved position in the protein, it is predicted to be benign by multiple in silico algorithms, and/or has population frequency not consistent with disease.

PreventionGenetics, part of Exact Sciences
Classification: Likely benign for FAT4-related condition. Last evaluated: 2019-06-20. Review status: no assertion criteria provided. Collection method: clinical testing. Allele origin: germline. Not counted in ClinVar's aggregate classification.
Comment: This variant is classified as likely benign based on ACMG/AMP sequence variant interpretation guidelines (Richards et al. 2015 PMID: 25741868, with internal and published modifications).